The following is an entry in ClinVar:

NM_018993.4(RIN2):c.764G>C (p.Arg255Thr)

Gene: RIN2 (Ras and Rab interactor 2; plus strand). Cytogenetic location: 20p11.23.
Variant type: single nucleotide variant.
Coding change: c.764G>C on transcript NM_018993.4 (MANE Select); coding-DNA position 764, G replaced by C.
Protein change: p.Arg255Thr; replaces arginine 255 with threonine.
Molecular consequence: missense variant.
Genome position (GRCh38, 1-based): chr20:19,974,789, G>C. VCF-style: chr20-19974789-G-C. GRCh37 (hg19) VCF-style: chr20-19955433-G-C.
Other names: c.911G>C, p.Arg304Thr (NM_001242581.2); c.146G>C, p.Arg49Thr (NM_001378238.1); c.764G>C (NM_018993.3); short protein forms R255T, R304T, R49T.
Identifiers: ClinVar variation 2161401 (VCV002161401.2), dbSNP rs746529116, ClinGen allele CA9779925.

ClinVar aggregate classification (germline): Uncertain significance. Review status: criteria provided, multiple submitters, no conflicts (2 of 4 stars). 2 submissions from 2 submitters: Uncertain significance (2). Last evaluated 2024-03-31.

Conditions:
Inborn genetic diseases. Identifiers: MedGen C0950123, MeSH D030342.

Allele frequency attached by ClinVar (database versions not stated): TOPMed 0.00003; ExAC 0.00007.
gnomAD v4.1: 21 of 1,614,008 alleles (0.0013%); highest among the groups gnomAD compares: Admixed American, 0.035%; no homozygotes.

Submissions (2):

Ambry Genetics
Classification: Uncertain significance for Inborn genetic diseases. Last evaluated: 2024-03-31. Review status: criteria provided, single submitter. Criteria: Ambry Variant Classification Scheme 2023. Collection method: clinical testing. Allele origin: germline.

Labcorp Genetics (formerly Invitae), Labcorp
Classification: Uncertain significance. Last evaluated: 2022-03-04. Review status: criteria provided, single submitter. Criteria: Invitae Variant Classification Sherloc (09022015). Collection method: clinical testing. Allele origin: germline.
Comment: This sequence change replaces arginine, which is basic and polar, with threonine, which is neutral and polar, at codon 255 of the RIN2 protein (p.Arg255Thr). This variant is present in population databases (rs746529116, gnomAD 0.05%). This variant has not been reported in the literature in individuals affected with RIN2-related conditions. Algorithms developed to predict the effect of missense changes on protein structure and function are either unavailable or do not agree on the potential impact of this missense change (SIFT: "Tolerated"; PolyPhen-2: "Not Available"; Align-GVGD: "Class C0"). In summary, the available evidence is currently insufficient to determine the role of this variant in disease. Therefore, it has been classified as a Variant of Uncertain Significance.